The following is an entry in ClinVar:

NM_213720.3(CHCHD10):c.31C>G (p.Arg11Gly)

Gene: CHCHD10 (coiled-coil-helix-coiled-coil-helix domain containing 10; minus strand). Cytogenetic location: 22q11.23.
Variant type: single nucleotide variant.
Coding change: c.31C>G on transcript NM_213720.3 (MANE Select); coding-DNA position 31, C replaced by G.
Protein change: p.Arg11Gly; replaces arginine 11 with glycine.
Molecular consequence: missense variant. On other transcripts: non-coding transcript variant (2).
Genome position (GRCh38, 1-based): chr22:23,767,844, G>C on the plus strand (C>G on the coding strand, the complement: CHCHD10 is on the minus strand). VCF-style: chr22-23767844-G-C. GRCh37 (hg19) VCF-style: chr22-24110031-G-C.
Other names: p.Arg11Gly; c.31C>G, p.Arg11Gly (NM_001301339.2); short protein forms R11G.
Identifiers: ClinVar variation 570385 (VCV000570385.13), dbSNP rs951686050, ClinGen allele CA410917441.

ClinVar aggregate classification (germline): Uncertain significance. Review status: criteria provided, multiple submitters, no conflicts (2 of 4 stars). 3 submissions from 3 submitters: Uncertain significance (3). Last evaluated 2025-05-14.

Conditions:
Autosomal dominant mitochondrial myopathy with exercise intolerance (IMMD). Also called: Myopathy, isolated mitochondrial, autosomal dominant. Identifiers: Orphanet 457050, MedGen C4015513, MONDO:0014532, OMIM 616209.
Lower motor neuron syndrome with late-adult onset (SMAJ). Also called: Spinal muscular atrophy, Jokela type; Late-Onset Spinal Motor Neuronopathy (SMAJ). Identifiers: Orphanet 276435, MedGen C3554398, MONDO:0014025, OMIM 615048.
Frontotemporal dementia and/or amyotrophic lateral sclerosis 2. Also called: FTDALS2. Identifiers: Orphanet 275872, MedGen C4014648, MONDO:0014395, OMIM 615911.

gnomAD v4.1: 24 of 1,521,804 alleles (0.0016%); highest among the groups gnomAD compares: Non-Finnish European, 0.0021%; no homozygotes.

Submissions (3):

Labcorp Genetics (formerly Invitae), Labcorp
Classification: Uncertain significance for Lower motor neuron syndrome with late-adult onset; Frontotemporal dementia and/or amyotrophic lateral sclerosis 2; Autosomal dominant mitochondrial myopathy with exercise intolerance. Last evaluated: 2025-05-14. Review status: criteria provided, single submitter. Criteria: Invitae Variant Classification Sherloc (09022015). Collection method: clinical testing. Allele origin: germline.
Comment: This sequence change replaces arginine, which is basic and polar, with glycine, which is neutral and non-polar, at codon 11 of the CHCHD10 protein (p.Arg11Gly). This variant is not present in population databases (gnomAD no frequency). This missense change has been observed in individual(s) with amyotrophic lateral sclerosis (PMID: 30014597). ClinVar contains an entry for this variant (Variation ID: 570385). Experimental studies and prediction algorithms are not available or were not evaluated, and the functional significance of this variant is currently unknown. In summary, the available evidence is currently insufficient to determine the role of this variant in disease. Therefore, it has been classified as a Variant of Uncertain Significance.

Mayo Clinic Laboratories, Mayo Clinic
Classification: Uncertain significance. Last evaluated: 2023-07-06. Review status: criteria provided, single submitter. Criteria: ACMG Guidelines, 2015. Collection method: clinical testing. Allele origin: germline. Observed: 1 variant allele.
Comment: BP4, PM2_moderate

Revvity Omics, Revvity
Classification: Uncertain significance. Last evaluated: 2022-06-16. Review status: criteria provided, single submitter. Criteria: ACMG Guidelines, 2015. Collection method: clinical testing. Allele origin: germline.

Literature cited by the submitters: PubMed 30014597 (cited by Labcorp Genetics (formerly Invitae), Labcorp and Mayo Clinic Laboratories, Mayo Clinic).